The following is an entry in ClinVar:

NM_001267550.2(TTN):c.36758C>T (p.Pro12253Leu)

Gene: TTN (titin; minus strand). Cytogenetic location: 2q31.2.
Variant type: single nucleotide variant.
Coding change: c.36758C>T on transcript NM_001267550.2 (MANE Select); coding-DNA position 36758, C replaced by T.
Protein change: p.Pro12253Leu; replaces proline 12253 with leucine.
Molecular consequence: missense variant. On other transcripts: intron variant (3).
Genome position (GRCh38, 1-based): chr2:178,662,998, G>A on the plus strand (C>T on the coding strand, the complement: TTN is on the minus strand). VCF-style: chr2-178662998-G-A. GRCh37 (hg19) VCF-style: chr2-179527725-G-A.
Other names: c.34322C>T, p.Pro11441Leu (NM_001256850.1); c.31541C>T, p.Pro10514Leu (NM_133378.4); c.13283-20681C>T (NM_003319.4); c.13859-20681C>T (NM_133437.4); c.13658-20681C>T (NM_133432.3); short protein forms P10514L, P11441L, P12253L.
Identifiers: ClinVar variation 1711516 (VCV001711516.30), dbSNP rs2472859260, ClinGen allele CA349496030.

ClinVar aggregate classification (germline): Uncertain significance (1 of 4 stars; one submission).

Submission:

CeGaT Center for Human Genetics Tuebingen
Classification: Uncertain significance. Last evaluated: 2022-08-01. Review status: criteria provided, single submitter. Criteria: CeGaT Center For Human Genetics Tuebingen Variant Classification Criteria Version 2. Collection method: clinical testing. Allele origin: germline. Affected: yes. Observed: 1 variant allele.
Comment: TTN: PM2